The following is an entry in ClinVar:

NM_014244.5(ADAMTS2):c.563A>G (p.Glu188Gly)

Gene: ADAMTS2 (ADAM metallopeptidase with thrombospondin type 1 motif 2; minus strand). Cytogenetic location: 5q35.3.
Variant type: single nucleotide variant.
Coding change: c.563A>G on transcript NM_014244.5 (MANE Select); coding-DNA position 563, A replaced by G.
Protein change: p.Glu188Gly; replaces glutamic acid 188 with glycine.
Molecular consequence: missense variant.
Genome position (GRCh38, 1-based): chr5:179,273,036, T>C on the plus strand (A>G on the coding strand, the complement: ADAMTS2 is on the minus strand). VCF-style: chr5-179273036-T-C. GRCh37 (hg19) VCF-style: chr5-178700037-T-C.
Other names: c.563A>G, p.Glu188Gly (NM_021599.4); short protein forms E188G.
Identifiers: ClinVar variation 373236 (VCV000373236.7), dbSNP rs772175576, ClinGen allele CA3596269.
Genomic context (GRCh38, chr5:179,273,036, plus strand): 5'-ACACGGCCTTGCTCAGCCTCCTGCGCCGCCAGCCCCTTCTCCAAGGGTTCGATGAAGAAC[T>C]CCTCCTCCTCCATCCGGATCAGACCAGCCTGCGGGACAAAGACAACAGGATCAGATTTCC-3'
Protein context (NP_055059.2, residues 178-198): LAGLIRMEEE[Glu188Gly]FFIEPLEKGL

ClinVar aggregate classification (germline): Uncertain significance. Review status: criteria provided, multiple submitters, no conflicts (2 of 4 stars). 2 submissions from 2 submitters: Uncertain significance (2). Last evaluated 2022-01-14.

Conditions:
Ehlers-Danlos syndrome, dermatosparaxis type. Also called: Dermatosparaxis; Ehlers-Danlos syndrome, type VII, autosomal recessive; EDS VIIC. Identifiers: Orphanet 1901, MedGen C2700425, MONDO:0009161, OMIM 225410.

Allele frequency attached by ClinVar (database versions not stated): gnomAD exomes below 0.00001 and 0.00001; ExAC 0.00001; TOPMed 0.00001.

Submissions (2):

Labcorp Genetics (formerly Invitae), Labcorp
Classification: Uncertain significance for Ehlers-Danlos syndrome, dermatosparaxis type. Last evaluated: 2022-01-14. Review status: criteria provided, single submitter. Criteria: Invitae Variant Classification Sherloc (09022015). Collection method: clinical testing. Allele origin: germline.
Comment: This sequence change replaces glutamic acid, which is acidic and polar, with glycine, which is neutral and non-polar, at codon 188 of the ADAMTS2 protein (p.Glu188Gly). This variant is present in population databases (rs772175576, gnomAD 0.007%). This variant has not been reported in the literature in individuals affected with ADAMTS2-related conditions. ClinVar contains an entry for this variant (Variation ID: 373236). Algorithms developed to predict the effect of missense changes on protein structure and function are either unavailable or do not agree on the potential impact of this missense change (SIFT: "Deleterious"; PolyPhen-2: "Probably Damaging"; Align-GVGD: "Class C0"). In summary, the available evidence is currently insufficient to determine the role of this variant in disease. Therefore, it has been classified as a Variant of Uncertain Significance.

GeneDx
Classification: Uncertain significance. Last evaluated: 2016-11-22. Review status: criteria provided, single submitter. Criteria: GeneDx Variant Classification (06012015). Collection method: clinical testing. Allele origin: germline. Affected: yes.
Comment: The E188G variant in the ADAMTS2 gene has not been reported previously as a pathogenic variant, nor as a benign variant, to our knowledge. This variant was not observed in approximately 6500 individuals of European and African American ancestry in the NHLBI Exome Sequencing Project, indicating it is not a common benign variant in these populations. The E188G variant is a non-conservative amino acid substitution, which is likely to impact secondary protein structure as these residues differ in polarity, charge, size and/or other properties. This substitution occurs at a position where amino acids with similar properties to Glutamic Acid are tolerated across species. In silico analysis predicts this variant is probably damaging to the protein structure/function. We interpret E188G as a variant of uncertain significance.